The following is an entry in ClinVar:

NM_015295.3(SMCHD1):c.34G>A (p.Ala12Thr)

Gene: SMCHD1 (structural maintenance of chromosomes flexible hinge domain containing 1; plus strand). Cytogenetic location: 18p11.32.
Variant type: single nucleotide variant.
Coding change: c.34G>A on transcript NM_015295.3 (MANE Select); coding-DNA position 34, G replaced by A.
Protein change: p.Ala12Thr; replaces alanine 12 with threonine.
Molecular consequence: missense variant.
Genome position (GRCh38, 1-based): chr18:2,656,109, G>A. VCF-style: chr18-2656109-G-A. GRCh37 (hg19) VCF-style: chr18-2656108-G-A.
Other names: short protein forms A12T.
Identifiers: ClinVar variation 1717380 (VCV001717380.5), dbSNP rs763619769, ClinGen allele CA8870441.

ClinVar aggregate classification (germline): Uncertain significance (1 of 4 stars; one submission).

Conditions:
Facioscapulohumeral muscular dystrophy 2 (FSHD2). Also called: FACIOSCAPULOHUMERAL MUSCULAR DYSTROPHY 2, DIGENIC; MUSCULAR DYSTROPHY, FACIOSCAPULOHUMERAL, TYPE 1B; FSHD2, DIGENIC. Identifiers: Orphanet 269, MedGen C1834671, MONDO:0008031, OMIM 158901.

Allele frequency attached by ClinVar (database versions not stated): ExAC 0.00002.
gnomAD v4.1: 2 of 1,436,254 alleles (0.00014%); highest among the groups gnomAD compares: Non-Finnish European, 0.00018%; no homozygotes.

Submission:

Labcorp Genetics (formerly Invitae), Labcorp
Classification: Uncertain significance for Facioscapulohumeral muscular dystrophy 2. Last evaluated: 2024-04-29. Review status: criteria provided, single submitter. Criteria: Invitae Variant Classification Sherloc (09022015). Collection method: clinical testing. Allele origin: germline.
Comment: This sequence change replaces alanine, which is neutral and non-polar, with threonine, which is neutral and polar, at codon 12 of the SMCHD1 protein (p.Ala12Thr). This variant is not present in population databases (gnomAD no frequency). This variant has not been reported in the literature in individuals affected with SMCHD1-related conditions. ClinVar contains an entry for this variant (Variation ID: 1717380). Experimental studies and prediction algorithms are not available or were not evaluated, and the functional significance of this variant is currently unknown. In summary, the available evidence is currently insufficient to determine the role of this variant in disease. Therefore, it has been classified as a Variant of Uncertain Significance.